The following is an entry in ClinVar:

ClinVar aggregate classification (germline): Uncertain significance (1 of 4 stars; one submission).

Conditions:
Hereditary spastic paraplegia 47. Also called: Spastic paraplegia 47, autosomal recessive; CEREBRAL PALSY, SPASTIC QUADRIPLEGIC, 5; adaptor protein 4 (AP-4) deficiency syndrome. Identifiers: Orphanet 280763, MedGen C3279738, MONDO:0013551, OMIM 614066.

Allele frequency attached by ClinVar (database versions not stated): TOPMed below 0.00001.

Submission:

Labcorp Genetics (formerly Invitae), Labcorp
Classification: Uncertain significance for Hereditary spastic paraplegia 47. Last evaluated: 2024-04-17. Review status: criteria provided, single submitter. Criteria: Invitae Variant Classification Sherloc (09022015). Collection method: clinical testing. Allele origin: germline.
Comment: This sequence change replaces serine, which is neutral and polar, with phenylalanine, which is neutral and non-polar, at codon 321 of the AP4B1 protein (p.Ser321Phe). This variant is not present in population databases (gnomAD no frequency). This variant has not been reported in the literature in individuals affected with AP4B1-related conditions. ClinVar contains an entry for this variant (Variation ID: 1053273). Advanced modeling of protein sequence and biophysical properties (such as structural, functional, and spatial information, amino acid conservation, physicochemical variation, residue mobility, and thermodynamic stability) performed at Invitae indicates that this missense variant is not expected to disrupt AP4B1 protein function with a negative predictive value of 80%. In summary, the available evidence is currently insufficient to determine the role of this variant in disease. Therefore, it has been classified as a Variant of Uncertain Significance.

NM_001253852.3(AP4B1):c.962C>T (p.Ser321Phe)

Genes: AP4B1 (adaptor related protein complex 4 subunit beta 1; minus strand), AP4B1-AS1 (AP4B1 antisense RNA 1; plus strand). Cytogenetic location: 1p13.2.
Variant type: single nucleotide variant.
Coding change: c.962C>T on transcript NM_001253852.3 (MANE Select); coding-DNA position 962, C replaced by T.
Protein change: p.Ser321Phe; replaces serine 321 with phenylalanine.
Molecular consequence: missense variant. On other transcripts: non-coding transcript variant (2).
Genome position (GRCh38, 1-based): chr1:113,900,056, G>A on the plus strand (C>T on the coding strand, the complement: AP4B1 is on the minus strand). VCF-style: chr1-113900056-G-A. GRCh37 (hg19) VCF-style: chr1-114442678-G-A.
Other names: c.665C>T, p.Ser222Phe (NM_001253853.3); c.458C>T, p.Ser153Phe (NM_001308312.2); c.962C>T, p.Ser321Phe (NM_006594.5); short protein forms S153F, S222F, S321F.
Identifiers: ClinVar variation 1053273 (VCV001053273.7), dbSNP rs1280737712, ClinGen allele CA341712911.